The following is an entry in ClinVar:

ClinVar aggregate classification (germline): Uncertain significance (1 of 4 stars; one submission).

Allele frequency attached by ClinVar (database versions not stated): gnomAD exomes below 0.00001; TOPMed below 0.00001; ExAC 0.00001; gnomAD 0.00001.

Submission:

Labcorp Genetics (formerly Invitae), Labcorp
Classification: Uncertain significance. Last evaluated: 2021-09-01. Review status: criteria provided, single submitter. Criteria: Invitae Variant Classification Sherloc (09022015). Collection method: clinical testing. Allele origin: germline.
Comment: This sequence change affects codon 244 of the CDCA7 mRNA. It is a 'silent' change, meaning that it does not change the encoded amino acid sequence of the CDCA7 protein. This variant is present in population databases (rs540705403, ExAC 0.002%). This variant has not been reported in the literature in individuals affected with CDCA7-related conditions. Algorithms developed to predict the effect of sequence changes on RNA splicing suggest that this variant may create or strengthen a splice site. In summary, the available evidence is currently insufficient to determine the role of this variant in disease. Therefore, it has been classified as a Variant of Uncertain Significance.

NM_031942.5(CDCA7):c.732G>A (p.Pro244=)

Gene: CDCA7 (cell division cycle associated 7; plus strand). Cytogenetic location: 2q31.1.
Variant type: single nucleotide variant.
Coding change: c.732G>A on transcript NM_031942.5 (MANE Select); coding-DNA position 732, G replaced by A.
Protein change: p.Pro244=; no amino-acid change (proline 244 retained).
Molecular consequence: synonymous variant.
Genome position (GRCh38, 1-based): chr2:173,364,827, G>A. VCF-style: chr2-173364827-G-A. GRCh37 (hg19) VCF-style: chr2-174229555-G-A.
Other names: c.495G>A, p.Pro165= (NM_145810.3).
Identifiers: ClinVar variation 1360180 (VCV001360180.5), dbSNP rs540705403, ClinGen allele CA1971325.